The following is an entry in ClinVar:

NM_000540.3(RYR1):c.11920G>A (p.Gly3974Arg)

Gene: RYR1 (ryanodine receptor 1; plus strand). Cytogenetic location: 19q13.2.
Variant type: single nucleotide variant.
Coding change: c.11920G>A on transcript NM_000540.3 (MANE Select); coding-DNA position 11920, G replaced by A.
Protein change: p.Gly3974Arg; replaces glycine 3974 with arginine.
Molecular consequence: missense variant.
Genome position (GRCh38, 1-based): chr19:38,543,783, G>A. VCF-style: chr19-38543783-G-A. GRCh37 (hg19) VCF-style: chr19-39034423-G-A.
Other names: c.11920G>A (NM_000540.2); c.11905G>A, p.Gly3969Arg (NM_001042723.2); short protein forms G3969R, G3974R.
Identifiers: ClinVar variation 1407098 (VCV001407098.9), dbSNP rs774432541, ClinGen allele CA057918.

ClinVar aggregate classification (germline): Uncertain significance. Review status: criteria provided, multiple submitters, no conflicts (2 of 4 stars). 3 submissions from 3 submitters: Uncertain significance (3). Last evaluated 2026-03-20.

Conditions:
Malignant hyperthermia, susceptibility to, 1 (MHS1). Also called: RYR1-Related Malignant Hyperthermia Susceptibility; Malignant hyperthermia suceptibility 1; Anesthesia related hyperthermia; Malignant hyperpyrexia; Fulminating hyperpyrexia; Pharmacogenic myopathy. Identifiers: Orphanet 423, MedGen C2930980, MONDO:0007783, OMIM 145600.
King Denborough syndrome (KDS). Identifiers: MedGen C1840365, MONDO:0020485, OMIM 619542.
Central core myopathy (CMYO1A). Also called: CONGENITAL MYOPATHY 1A, AUTOSOMAL DOMINANT, WITH SUSCEPTIBILITY TO MALIGNANT HYPERTHERMIA; Central core disease; Myopathy, central fibrillar. Identifiers: Orphanet 597, MedGen C5830701, MONDO:0007294, OMIM 117000.
Congenital multicore myopathy with external ophthalmoplegia (CMYO1B). Also called: MULTIMINICORE DISEASE WITH EXTERNAL OPHTHALMOPLEGIA; MULTICORE MYOPATHY; Congenital myopathy 1B, autosomal recessive; Minicore myopathy; Minicore myopathy with external ophthalmoplegia. Identifiers: Orphanet 598, Orphanet 98905, MedGen C1850674, MONDO:0009712, OMIM 255320, HP:0003789.
RYR1-related disorder. Also called: RYR1-related disorders; RYR1-related condition. Identifiers: MedGen CN239331.

Allele frequency attached by ClinVar (database versions not stated): gnomAD exomes 0.00001 and 0.00002; ExAC 0.00004.
gnomAD v4.1: 8 of 1,613,410 alleles (0.0005%); highest among the groups gnomAD compares: Admixed American, 0.012%; no homozygotes.

Submissions (3):

GeneDx
Classification: Uncertain significance. Last evaluated: 2026-03-20. Review status: criteria provided, single submitter. Criteria: GeneDx Variant Classification Process June 2021. Collection method: clinical testing. Allele origin: germline.
Comment: In silico analysis supports that this missense variant has a deleterious effect on protein structure/function; Has not been previously published as pathogenic or benign to our knowledge

Labcorp Genetics (formerly Invitae), Labcorp
Classification: Uncertain significance for RYR1-related disorder. Last evaluated: 2024-03-02. Review status: criteria provided, single submitter. Criteria: Invitae Variant Classification Sherloc (09022015). Collection method: clinical testing. Allele origin: germline.
Comment: This sequence change replaces glycine, which is neutral and non-polar, with arginine, which is basic and polar, at codon 3974 of the RYR1 protein (p.Gly3974Arg). This variant is present in population databases (rs774432541, gnomAD 0.02%). This variant has not been reported in the literature in individuals affected with RYR1-related conditions. ClinVar contains an entry for this variant (Variation ID: 1407098). Advanced modeling of protein sequence and biophysical properties (such as structural, functional, and spatial information, amino acid conservation, physicochemical variation, residue mobility, and thermodynamic stability) performed at Invitae indicates that this missense variant is expected to disrupt RYR1 protein function with a positive predictive value of 95%. In summary, the available evidence is currently insufficient to determine the role of this variant in disease. Therefore, it has been classified as a Variant of Uncertain Significance.

Juno Genomics, Hangzhou Juno Genomics, Inc
Classification: Uncertain significance for Central core myopathy; Congenital multicore myopathy with external ophthalmoplegia; Malignant hyperthermia, susceptibility to, 1; King Denborough syndrome. Review status: criteria provided, single submitter. Criteria: ACMG Guidelines, 2015. Collection method: clinical testing. Allele origin: germline.
Comment: Absent from controls (or at extremely low frequency if recessive) in Genome Aggregation Database.;Multiple lines of computational evidence support a deleterious effect on the gene or gene product.